The following is an entry in ClinVar:

NM_000046.5(ARSB):c.455G>A (p.Arg152Gln)

Gene: ARSB (arylsulfatase B; minus strand). Cytogenetic location: 5q14.1.
Variant type: single nucleotide variant.
Coding change: c.455G>A on transcript NM_000046.5 (MANE Select); coding-DNA position 455, G replaced by A.
Protein change: p.Arg152Gln; replaces arginine 152 with glutamine.
Molecular consequence: missense variant.
Genome position (GRCh38, 1-based): chr5:78,969,050, C>T on the plus strand (G>A on the coding strand, the complement: ARSB is on the minus strand). VCF-style: chr5-78969050-C-T. GRCh37 (hg19) VCF-style: chr5-78264873-C-T.
Other names: c.455G>A, p.Arg152Gln (NM_198709.3); short protein forms R152Q.
Identifiers: ClinVar variation 800876 (VCV000800876.12), dbSNP rs776814144, ClinGen allele CA3318265.
Genomic context (GRCh38, chr5:78,969,050, plus strand): 5'-TGTGCATTTCCATTACCAAAGTAGGTATCAAATCCTCGGCGGGTTGGAAGGCATTCTTTC[C>T]GGTACATTCCCAGGTGCCATTTTCCGACCATATGGGTAGTATAACCTGCTTCTTTTAGGA-3'
Protein context (NP_000037.2, residues 142-162): MVGKWHLGMY[Arg152Gln]KECLPTRRGF

ClinVar aggregate classification (germline): Likely pathogenic. Review status: criteria provided, multiple submitters, no conflicts (2 of 4 stars). 6 submissions from 6 submitters: Likely pathogenic (4). 2 of the submissions do not count toward it. Last evaluated 2025-08-29.

Conditions:
Mucopolysaccharidosis type 6 (MPS6). Also called: MPS 6; Maroteaux Lamy syndrome; ARSB DEFICIENCY; ARYLSULFATASE B DEFICIENCY; MPS VI; N-ACETYLGALACTOSAMINE-4-SULFATASE DEFICIENCY. Identifiers: Orphanet 583, MedGen C0026709, MONDO:0009661, OMIM 253200.

Allele frequency attached by ClinVar (database versions not stated): gnomAD exomes 0.00002 and 0.00004; TOPMed 0.00002; ExAC 0.00003.
gnomAD v4.1: 34 of 1,614,170 alleles (0.0021%); highest among the groups gnomAD compares: Middle Eastern, 0.033%; no homozygotes.

Submissions (6):

Labcorp Genetics (formerly Invitae), Labcorp
Classification: Likely pathogenic for Mucopolysaccharidosis type 6. Last evaluated: 2025-08-29. Review status: criteria provided, single submitter. Criteria: Invitae Variant Classification Sherloc (09022015). Collection method: clinical testing. Allele origin: germline.
Comment: This sequence change replaces arginine, which is basic and polar, with glutamine, which is neutral and polar, at codon 152 of the ARSB protein (p.Arg152Gln). This variant is present in population databases (rs776814144, gnomAD 0.02%). This missense change has been observed in individual(s) with 34853893 (skeletal dysplasia). ClinVar contains an entry for this variant (Variation ID: 800876). An algorithm developed to predict the effect of missense changes on protein structure and function outputs the following: PolyPhen-2: "Benign". The glutamine amino acid residue is found in multiple mammalian species, which suggests that this missense change does not adversely affect protein function. This variant disrupts the p.Arg152 amino acid residue in ARSB. Other variant(s) that disrupt this residue have been determined to be pathogenic (PMID: 8125475, 17458871, 23557332, 24221504). This suggests that this residue is clinically significant, and that variants that disrupt this residue are likely to be disease-causing. In summary, the currently available evidence indicates that the variant is pathogenic, but additional data are needed to prove that conclusively. Therefore, this variant has been classified as Likely Pathogenic.

Women's Health and Genetics/Laboratory Corporation of America, LabCorp
Classification: Likely pathogenic for Mucopolysaccharidosis type 6. Last evaluated: 2025-04-15. Review status: criteria provided, single submitter. Criteria: LabCorp Variant Classification Summary - May 2015. Collection method: clinical testing. Allele origin: germline.
Comment: Variant summary: ARSB c.455G>A (p.Arg152Gln) results in a conservative amino acid change located in the Sulfatase, N-terminal domain (IPR000917) of the encoded protein sequence. Three of five in-silico tools predict a benign effect of the variant on protein function. The variant allele was found at a frequency of 4.4e-05 in 251464 control chromosomes. This frequency is not significantly higher than estimated for a pathogenic variant in ARSB causing Mucopolysaccharidosis Type VI (Maroteaux-Lamy Syndrome) (4.4e-05 vs 0.0022), allowing no conclusion about variant significance. c.455G>A has been observed in a homozygous individual affected with Mucopolysaccharidosis Type VI (Maroteaux-Lamy Syndrome) (Al-Hamed_2022). These data indicate that the variant may be associated with disease. A different variant affecting the same codon has been classified as pathogenic by our lab (c.454C>T, p.Arg152Trp), supporting the critical relevance of codon 152 to ARSB protein function. To our knowledge, no experimental evidence demonstrating an impact on protein function has been reported. The following publication have been ascertained in the context of this evaluation (PMID: 34853893). ClinVar contains an entry for this variant (Variation ID: 800876). Based on the evidence outlined above, the variant was classified as likely pathogenic.

3billion
Classification: Likely pathogenic for Mucopolysaccharidosis type 6. Last evaluated: 2023-07-19. Review status: criteria provided, single submitter. Criteria: ACMG Guidelines, 2015. Collection method: clinical testing. Allele origin: germline. Affected: yes.
Comment: The variant is observed at an extremely low frequency in the gnomAD v2.1.1 dataset (total allele frequency: 0.004%). Predicted Consequence/Location: Missense variant In silico tool predictions suggest damaging effect of the variant on gene or gene product (REVEL: 0.36; 3Cnet: 0.91). Same nucleotide change resulting in same amino acid change has been previously reported to be associated with ARSB related disorder (ClinVar ID: VCV000800876 /PMID: 34853893). A different missense change at the same codon (p.Arg152Trp) has been reported as pathogenic/likely pathogenic with strong evidence (ClinVar ID: VCV000496789 /PMID: 8125475). Therefore, this variant is classified as Likely pathogenic according to the recommendation of ACMG/AMP guideline.

Kariminejad - Najmabadi Pathology & Genetics Center
Classification: Likely pathogenic for Mucopolysaccharidosis type 6. Review status: criteria provided, single submitter. Criteria: ACMG Guidelines, 2015. Collection method: clinical testing. Allele origin: germline. Affected: no.

Biochemical Molecular Genetic Laboratory, King Abdulaziz Medical City
Classification: Likely pathogenic for Mucopolysaccharidosis type 6. Last evaluated: 2019-09-15. Review status: no assertion criteria provided. Collection method: clinical testing. Allele origin: germline. Affected: yes. Not counted in ClinVar's aggregate classification.

Baylor Genetics
Classification: Uncertain significance for Mucopolysaccharidosis type 6. Last evaluated: 2019-09-13. Review status: flagged submission. Criteria: ACMG Guidelines, 2015. Collection method: clinical testing. Allele origin: unknown. Affected: yes. Not counted in ClinVar's aggregate classification.
Comment: This variant was determined to be of uncertain significance according to ACMG Guidelines, 2015 [PMID:25741868].
ClinVar note: Reason: Older claim that does not account for recent evidence

Literature cited by the submitters: PubMed 8125475 (cited by Labcorp Genetics (formerly Invitae), Labcorp and 3billion); PubMed 17458871 (cited by Labcorp Genetics (formerly Invitae), Labcorp); PubMed 23557332 (cited by Labcorp Genetics (formerly Invitae), Labcorp); PubMed 24221504 (cited by Labcorp Genetics (formerly Invitae), Labcorp); PubMed 34853893 (cited by Women's Health and Genetics/Laboratory Corporation of America, LabCorp and 3billion).